The following is an entry in ClinVar:

ClinVar aggregate classification (germline): Likely benign. Review status: criteria provided, multiple submitters, no conflicts (2 of 4 stars). 7 submissions from 7 submitters: Likely benign (6). 1 of the submissions does not count toward it. Last evaluated 2026-05-01.

Conditions:
Atypical hemolytic-uremic syndrome with C3 anomaly. Also called: AHUS, SUSCEPTIBILITY TO, 5. Identifiers: Orphanet 2134, MedGen C2752037, MONDO:0013043, OMIM 612925.
Complement component 3 deficiency. Identifiers: Orphanet 280133, MedGen C3151071, MONDO:0013417, OMIM 613779.
Age related macular degeneration 9. Identifiers: MedGen C1969651, MONDO:0012659, OMIM 611378.
C3-related disorder. Also called: C3-related condition.
Atypical hemolytic-uremic syndrome. Identifiers: Orphanet 2134, MedGen C2931788, MONDO:0016244.
C3 glomerulonephritis. Also called: Nephropathy due to CFHR5 Deficiency; C3 GLOMERULOPATHY 3. Identifiers: Orphanet 329931, MedGen C4055342, MONDO:0013892, OMIM 614809.

Allele frequency attached by ClinVar (database versions not stated): gnomAD exomes 0.00004 and 0.00011; ExAC 0.00014; gnomAD 0.00038 and 0.00041; ESP Exome Variant Server 0.00046; TOPMed 0.00049.
gnomAD v4.1: 120 of 1,613,974 alleles (0.0074%); highest among the groups gnomAD compares: African/African-American, 0.14%; no homozygotes.

Submissions (7):

CeGaT Center for Human Genetics Tuebingen
Classification: Likely benign. Last evaluated: 2026-05-01. Review status: criteria provided, single submitter. Criteria: CeGaT Center For Human Genetics Tuebingen Variant Classification Criteria Version 2. Collection method: clinical testing. Allele origin: germline. Affected: yes. Observed: 1 variant allele.
Comment: C3: BP4, BP7

Labcorp Genetics (formerly Invitae), Labcorp
Classification: Likely benign. Last evaluated: 2025-11-08. Review status: criteria provided, single submitter. Criteria: Invitae Variant Classification Sherloc (09022015). Collection method: clinical testing. Allele origin: germline.

Genomenon, Inc
Classification: Likely benign for Complement component 3 deficiency; C3 glomerulonephritis; Atypical hemolytic-uremic syndrome. Last evaluated: 2025-09-30. Review status: criteria provided, single submitter. Criteria: Genomenon Sequence Variant Interpretation Standards. Collection method: curation. Allele origin: germline. Affected: no.
Comment: C3 p.Pro577= (c.1731T>C) is a synonymous variant that retains Proline at residue 577. This variant has been reported in the published literature (PMID:14639503;16499568). This synonymous variant is not predicted to impact splicing. This variant’s allele frequency in gnomAD is greater than expected for this disorder. In conclusion, we classify C3 p.Pro577= (c.1731T>C) as a likely benign variant.

Blueprint Genetics
Classification: Likely benign. Last evaluated: 2024-06-18. Review status: criteria provided, single submitter. Criteria: ACMG Guidelines, 2015. Collection method: clinical testing. Allele origin: germline.

Genetic Services Laboratory, University of Chicago
Classification: Likely benign. Last evaluated: 2021-11-22. Review status: criteria provided, single submitter. Criteria: ACMG Guidelines, 2015. Collection method: clinical testing. Allele origin: germline. Affected: no.

Fulgent Genetics
Classification: Likely benign for Age related macular degeneration 9; Atypical hemolytic-uremic syndrome with C3 anomaly; Complement component 3 deficiency. Last evaluated: 2021-07-20. Review status: criteria provided, single submitter. Criteria: ACMG Guidelines, 2015. Collection method: clinical testing. Allele origin: unknown.

PreventionGenetics, part of Exact Sciences
Classification: Likely benign for C3-related condition. Last evaluated: 2019-04-10. Review status: no assertion criteria provided. Collection method: clinical testing. Allele origin: germline. Not counted in ClinVar's aggregate classification.
Comment: This variant is classified as likely benign based on ACMG/AMP sequence variant interpretation guidelines (Richards et al. 2015 PMID: 25741868, with internal and published modifications).

Literature cited by the submitters: PubMed 14639503 (cited by Genomenon, Inc); PubMed 16499568 (cited by Genomenon, Inc).

NM_000064.4(C3):c.1731T>C (p.Pro577=)

Gene: C3 (complement C3; minus strand). Cytogenetic location: 19p13.3.
Variant type: single nucleotide variant.
Coding change: c.1731T>C on transcript NM_000064.4 (MANE Select); coding-DNA position 1731, T replaced by C.
Protein change: p.Pro577=; no amino-acid change (proline 577 retained).
Molecular consequence: synonymous variant.
Genome position (GRCh38, 1-based): chr19:6,709,798, A>G on the plus strand (T>C on the coding strand, the complement: C3 is on the minus strand). VCF-style: chr19-6709798-A-G. GRCh37 (hg19) VCF-style: chr19-6709809-A-G.
Identifiers: ClinVar variation 1147883 (VCV001147883.19), dbSNP rs148182019, ClinGen allele CA9129344.